The following is an entry in ClinVar:

ClinVar aggregate classification (germline): Conflicting classifications of pathogenicity. Review status: criteria provided, conflicting classifications (1 of 4 stars). 2 submissions from 2 submitters: Uncertain significance (1); Likely benign (1). Last evaluated 2026-01-01.

Allele frequency attached by ClinVar (database versions not stated): ExAC 0.00004; gnomAD 0.00012; TOPMed 0.00012; ESP Exome Variant Server 0.00023.
gnomAD v4.1: 82 of 1,613,904 alleles (0.0051%); highest among the groups gnomAD compares: African/African-American, 0.037%; 1 homozygote.

Submissions (2):

CeGaT Center for Human Genetics Tuebingen
Classification: Likely benign. Last evaluated: 2026-01-01. Review status: criteria provided, single submitter. Criteria: CeGaT Center For Human Genetics Tuebingen Variant Classification Criteria Version 2. Collection method: clinical testing. Allele origin: germline. Affected: yes. Observed: 1 variant allele.
Comment: IGSF10: BP4

Ambry Genetics
Classification: Uncertain significance. Last evaluated: 2021-07-20. Review status: criteria provided, single submitter. Criteria: Ambry Variant Classification Scheme 2023. Collection method: clinical testing. Allele origin: germline.

NM_178822.5(IGSF10):c.5114A>G (p.Asn1705Ser)

Gene: IGSF10 (immunoglobulin superfamily member 10; minus strand). Cytogenetic location: 3q25.1.
Variant type: single nucleotide variant.
Coding change: c.5114A>G on transcript NM_178822.5 (MANE Select); coding-DNA position 5114, A replaced by G.
Protein change: p.Asn1705Ser; replaces asparagine 1705 with serine.
Molecular consequence: missense variant.
Genome position (GRCh38, 1-based): chr3:151,443,833, T>C on the plus strand (A>G on the coding strand, the complement: IGSF10 is on the minus strand). VCF-style: chr3-151443833-T-C. GRCh37 (hg19) VCF-style: chr3-151161621-T-C.
Other names: c.5114A>G, p.Asn1705Ser (NM_001385060.1, NM_001385061.1, NM_001385062.1 and 1 more transcripts); short protein forms N1705S.
Identifiers: ClinVar variation 2300960 (VCV002300960.6), dbSNP rs142050988, ClinGen allele CA2669816.